The following is an entry in ClinVar:

ClinVar aggregate classification (germline): Pathogenic. Review status: reviewed by expert panel (3 of 4 stars). 9 submissions from 9 submitters: Pathogenic (1). 8 of the submissions do not count toward it. Last evaluated 2026-05-27.
ClinVar aggregate classification (oncogenicity): Uncertain significance (1 of 4 stars; one submission).

Conditions:
RUNX1-related disorder. Also called: RUNX1-related condition.
Hereditary thrombocytopenia and hematologic cancer predisposition syndrome. Identifiers: Orphanet 71290, MedGen CN281654, MONDO:0011071.
Hereditary thrombocytopenia and hematological cancer predisposition syndrome associated with RUNX1. Also called: Familial Platelet Disorder with Propensity to Acute Myelogenous Leukemia; Familial thrombocytopenia with propensity to acute myelogenous leukemia; PLATELET DISORDER, ASPIRIN-LIKE; RUNX1 Familial Platelet Disorder with Associated Myeloid Malignancies. Identifiers: Orphanet 71290, MedGen C1832388, MeSH C563324, MONDO:0100083, OMIM 601399.
Acute myeloid leukemia (AML). Also called: Acute myeloid leukemia, adult; AML adult; Acute non-lymphocytic leukemia; Acute granulocytic leukemia; Leukemia, acute myeloid, somatic; Leukemia, acute myelogenous, somatic. Identifiers: Orphanet 519, MedGen C0023467, MeSH D015470, MONDO:0018874, OMIM 601626, HP:0004808. Disease mechanism: Constitutively activated FLT3.

Allele frequency attached by ClinVar (database versions not stated): gnomAD exomes below 0.00001.

Submissions (10):

ClinGen Myeloid Malignancy Variant Curation Expert Panel
Classification: Pathogenic for Hereditary thrombocytopenia and hematologic cancer predisposition syndrome. Last evaluated: 2026-05-27. Review status: reviewed by expert panel. Criteria: ClinGen MyeloMalig ACMG Specifications V3.1. Collection method: curation. Allele origin: germline. Inheritance: Autosomal dominant inheritance.
Comment: NM_001754.5(RUNX1):c.602G>A (p.Arg201Gln) is a missense variant which affects one of the hotspot residues (R201) within the RHD (PM1_Strong). Transactivation assays demonstrate altered transactivation (<20% of wt) and data from secondary assays demonstrate altered DNA binding, CBFβ binding, and sub-cellular localization (PS3; PMID: PMID: 17290219, 11830488, 23817177, 22318203, 25840971, 23848403). This variant is completely absent from all population databases with at least 20x coverage for RUNX1 (PM2_Supporting) and has a REVEL score of >0.75 (0.94) (PP3). This variant has been reported in four probands meeting at least one of the RUNX1-phenotypic criteria (PS4; PMID: 27112265, 28748566, 10508512) and was found to co-segregate with disease in multiple affected family members, with four meioses observed across three families (PP1; PMID: 27112265, 28748566, 10508512). In summary, this variant meets criteria to be classified as pathogenic. ACMG/AMP criteria applied, as specified by the Myeloid Malignancy Variant Curation Expert Panel for RUNX1: PM1_Strong, PS3, PM2_Supporting, PP3, PS4, PP1.

Center for Virology of Infectious and Tropical Diseases (CVMIT), Mohammed V Military Teaching Hospital
Classification: Uncertain significance for Acute myeloid leukemia. Last evaluated: 2026-10-26. Review status: criteria provided, single submitter. Criteria: ClinGen/CGC/VICC Guidelines for Oncogenicity, 2022. Collection method: research. Allele origin: somatic. Affected: yes. Observed: 1 variant allele.
Comment: RUNX1 p.Arg201Gln. Oncogenicity classified with the ClinGen/CGC/VICC SOP (Horak et al. 2022, PMID:35101336). Criteria applied: OM1: R201 (R174 in RUNX1b numbering) is a DNA-contacting residue of the Runt homology domain, where missense variants abolish DNA binding and transactivation (PMID:10068652, PMID:11830488); OP3: hotspot at R201 (7 tumours; R201Q in 2); concordant in silico predictions (CADD 33, AlphaMissense likely pathogenic 0.9998, SIFT deleterious) (OP1); extremely rare in gnomAD v4 (1 allele) (OP4). Total 5 points (Uncertain significance). ClinVar at analysis (release 2022-07-09, used by Ion Reporter): Variation ID 14464, Pathogenic (reviewed by expert panel). Current record: ClinVar VCV000014464.17 (consulted 2026-10-29): germline classification Pathogenic.

Mayo Clinic Laboratories, Mayo Clinic
Classification: Pathogenic. Last evaluated: 2025-07-16. Review status: criteria provided, single submitter. Criteria: ACMG Guidelines, 2015. Collection method: clinical testing. Allele origin: germline. Observed: 3 variant alleles. Not counted in ClinVar's aggregate classification.
Comment: PP1_moderate, PP3_strong, PP5, PM1, PM2_supporting, PS3, PS4

Labcorp Genetics (formerly Invitae), Labcorp
Classification: Pathogenic for Hereditary thrombocytopenia and hematological cancer predisposition syndrome associated with RUNX1. Last evaluated: 2025-07-08. Review status: criteria provided, single submitter. Criteria: Invitae Variant Classification Sherloc (09022015). Collection method: clinical testing. Allele origin: germline. Not counted in ClinVar's aggregate classification.
Comment: This sequence change replaces arginine, which is basic and polar, with glutamine, which is neutral and polar, at codon 201 of the RUNX1 protein (p.Arg201Gln). This variant is not present in population databases (gnomAD no frequency). This missense change has been observed in individual(s) with personal and/or family history of platelet dysfunction, mild to moderate thrombocytopenia, and myeloid malignancies (PMID: 10508512, 21725049, 27112265). It has also been observed to segregate with disease in related individuals. This variant is also known as R174Q. ClinVar contains an entry for this variant (Variation ID: 14464). Invitae Evidence Modeling of protein sequence and biophysical properties (such as structural, functional, and spatial information, amino acid conservation, physicochemical variation, residue mobility, and thermodynamic stability) has been performed for this missense variant. However, the output from this modeling did not meet the statistical confidence thresholds required to predict the impact of this variant on RUNX1 protein function. Experimental studies have shown that this missense change affects RUNX1 function (PMID: 11830488, 21725049, 22898599, 25490895). For these reasons, this variant has been classified as Pathogenic.

PreventionGenetics, part of Exact Sciences
Classification: Pathogenic for RUNX1-related condition. Last evaluated: 2025-01-27. Review status: criteria provided, single submitter. Criteria: ACMG Guidelines, 2015. Collection method: clinical testing. Allele origin: germline. Not counted in ClinVar's aggregate classification.
Comment: The RUNX1 c.602G>A variant is predicted to result in the amino acid substitution p.Arg201Gln. This variant (aka p.Arg174Gln) has been reported to be causative for familial platelet disorder with variable thrombocytopenia and risk of developing acute leukemias (See for examples: Song et al., 1999. PubMed ID: 10508512; Latger-Cannard et al. 2016. PubMed ID: 27112265). This variant was also interpreted as pathogenic by the ClinGen Myeloid Malignancy Variant Curation Panel. This variant has not been reported in a large population database (gnomAD), indicating this variant is rare. This variant is interpreted as pathogenic.

GeneDx
Classification: Likely pathogenic. Last evaluated: 2023-12-07. Review status: criteria provided, single submitter. Criteria: GeneDx Variant Classification Process June 2021. Collection method: clinical testing. Allele origin: germline. Affected: yes. Not counted in ClinVar's aggregate classification.
Comment: In silico analysis supports that this missense variant has a deleterious effect on protein structure/function; Not observed at significant frequency in large population cohorts (gnomAD); Also known as p.(R174Q); This variant is associated with the following publications: (PMID: 22898599, 23692290, 22318203, 23817177, 23848403, 25840971, 21725049, 11830488, 17290219, 25490895, 28748566, 33692461, 21711396, 27112265, 10508512)

Clinical Genetics Laboratory, Skane University Hospital Lund
Classification: Pathogenic. Last evaluated: 2023-09-05. Review status: criteria provided, single submitter. Criteria: ACMG Guidelines, 2015. Collection method: clinical testing. Allele origin: germline. Affected: yes. Not counted in ClinVar's aggregate classification.

Victorian Clinical Genetics Services, Murdoch Childrens Research Institute
Classification: Pathogenic for Hereditary thrombocytopenia and hematological cancer predisposition syndrome associated with RUNX1. Last evaluated: 2023-07-17. Review status: criteria provided, single submitter. Criteria: ACMG Guidelines, 2015. Collection method: clinical testing. Allele origin: germline. Inheritance: Autosomal dominant inheritance. Affected: yes. Not counted in ClinVar's aggregate classification.
Comment: Based on the classification scheme VCGS_Germline_v1.3.4, this variant is classified as Pathogenic. Following criteria are met: 0103 - Dominant negative and loss of function are known mechanisms of disease in this gene, and are associated with acute myeloid leukaemia (MIM#601626) and familial platelet disorder with associated myeloid malignancy (MIM#601399) (PMID: 28179279). (I) 0107 - This gene is associated with autosomal dominant disease. (I) 0200 - Variant is predicted to result in a missense amino acid change from arginine to glutamine. (I) 0251 - This variant is heterozygous. (I) 0301 - Variant is absent from gnomAD (both v2 and v3). (SP) 0502 - Missense variant with conflicting in silico predictions and high conservation. (I) 0600 - Variant is located in the annotated runt domain (DECIPHER). (I) 0801 - This variant has strong previous evidence of pathogenicity in unrelated individuals. It has been classified as pathogenic by the ClinGen Myeloid Malignancy Variant Curation Expert Panel (ClinVar). It has been reported in multiple individuals with myelodysplastic syndrome or thrombocytopenia (PMIDs: 27112265, 28748566). (SP) 1208 - Inheritance information for this variant is not currently available in this individual. (I) Legend: (SP) - Supporting pathogenic, (I) - Information, (SB) - Supporting benign

Blueprint Genetics
Classification: Pathogenic for RUNX1-related disorders. Last evaluated: 2021-11-30. Review status: criteria provided, single submitter. Criteria: ACMG Guidelines, 2015. Collection method: clinical testing. Allele origin: germline. Affected: yes. Observed: 3 variant alleles. Not counted in ClinVar's aggregate classification.

OMIM
Classification: Pathogenic for PLATELET DISORDER, FAMILIAL, WITH ASSOCIATED MYELOID MALIGNANCY. Last evaluated: 1999-10-01. Review status: no assertion criteria provided. Collection method: literature only. Allele origin: germline. Not counted in ClinVar's aggregate classification.

Literature cited by the submitters: PubMed 27112265 (cited by 4 submitters); PubMed 22318203 (cited by ClinGen Myeloid Malignancy Variant Curation Expert Panel and Mayo Clinic Laboratories, Mayo Clinic); PubMed 25840971 (cited by ClinGen Myeloid Malignancy Variant Curation Expert Panel and Mayo Clinic Laboratories, Mayo Clinic); PubMed 17290219 (cited by ClinGen Myeloid Malignancy Variant Curation Expert Panel and Mayo Clinic Laboratories, Mayo Clinic); PubMed 11830488 (cited by 4 submitters); PubMed 23817177 (cited by ClinGen Myeloid Malignancy Variant Curation Expert Panel and Mayo Clinic Laboratories, Mayo Clinic); PubMed 10508512 (cited by 4 submitters); PubMed 28748566 (cited by 3 submitters); PubMed 23848403 (cited by ClinGen Myeloid Malignancy Variant Curation Expert Panel and Mayo Clinic Laboratories, Mayo Clinic); PubMed 10068652 (cited by Center for Virology of Infectious and Tropical Diseases (CVMIT), Mohammed V Military Teaching Hospital); PubMed 21711396 (cited by Mayo Clinic Laboratories, Mayo Clinic); PubMed 21725049 (cited by Mayo Clinic Laboratories, Mayo Clinic and Labcorp Genetics (formerly Invitae), Labcorp); PubMed 22533337 (cited by Mayo Clinic Laboratories, Mayo Clinic); PubMed 22898599 (cited by Mayo Clinic Laboratories, Mayo Clinic and Labcorp Genetics (formerly Invitae), Labcorp); PubMed 23692290 (cited by Mayo Clinic Laboratories, Mayo Clinic); PubMed 33692461 (cited by Mayo Clinic Laboratories, Mayo Clinic); PubMed 36819173 (cited by Mayo Clinic Laboratories, Mayo Clinic); PubMed 37738626 (cited by Mayo Clinic Laboratories, Mayo Clinic); PubMed 25490895 (cited by Labcorp Genetics (formerly Invitae), Labcorp); PubMed 28179279 (cited by Victorian Clinical Genetics Services, Murdoch Childrens Research Institute).

NM_001754.5(RUNX1):c.602G>A (p.Arg201Gln)

Genes: RUNX1 (RUNX family transcription factor 1; minus strand), RUNX1-AS1 (RUNX1 antisense RNA 1; plus strand). Cytogenetic location: 21q22.12.
Variant type: single nucleotide variant.
Coding change: c.602G>A on transcript NM_001754.5 (MANE Select); coding-DNA position 602, G replaced by A.
Protein change: p.Arg201Gln; replaces arginine 201 with glutamine.
Molecular consequence: missense variant.
Genome position (GRCh38, 1-based): chr21:34,859,485, C>T on the plus strand (G>A on the coding strand, the complement: RUNX1 is on the minus strand). VCF-style: chr21-34859485-C-T. GRCh37 (hg19) VCF-style: chr21-36231782-C-T.
Other names: NM_001754.4(RUNX1):c.602G>A; NM_001754.5(RUNX1):c.602G>A; c.521G>A, p.Arg174Gln (NM_001001890.3, NM_001122607.2); short protein forms R201Q, R174Q.
Identifiers: ClinVar variation 14464 (VCV000014464.18), dbSNP rs74315450, ClinGen allele CA248610.
Genomic context (GRCh38, chr21:34,859,485, plus strand): 5'-AGGGTGTACCAGCCTGGAGGGTGTACCAGCCCCAAGTGGATGCACTTACTTCGAGGTTCT[C>T]GGGGCCCATCCACTGTGATTTTGATGGCTCTGTGGTAGGTGGCGACTTGCGGTGGGTTTG-3'
Protein context (NP_001745.2, residues 191-211): RAIKITVDGP[Arg201Gln]EPRRHRQKLD